The following is an entry in ClinVar:

ClinVar aggregate classification (germline): Conflicting classifications of pathogenicity. Review status: criteria provided, conflicting classifications (1 of 4 stars). 2 submissions from 2 submitters: Uncertain significance (1); Likely benign (1). Last evaluated 2024-12-11.

Conditions:
Inborn genetic diseases. Identifiers: MedGen C0950123, MeSH D030342.

Allele frequency attached by ClinVar (database versions not stated): gnomAD exomes below 0.00001; TOPMed 0.00002.
gnomAD v4.1: 8 of 1,210,466 alleles (0.00066%); highest among the groups gnomAD compares: African/African-American, 0.0052%; no homozygotes.

Submissions (2):

Ambry Genetics
Classification: Likely benign for Inborn genetic diseases. Last evaluated: 2024-12-11. Review status: criteria provided, single submitter. Criteria: Ambry Variant Classification Scheme 2023. Collection method: clinical testing. Allele origin: germline.

Labcorp Genetics (formerly Invitae), Labcorp
Classification: Uncertain significance. Last evaluated: 2024-01-10. Review status: criteria provided, single submitter. Criteria: Invitae Variant Classification Sherloc (09022015). Collection method: clinical testing. Allele origin: germline.
Comment: This sequence change replaces glutamic acid, which is acidic and polar, with lysine, which is basic and polar, at codon 933 of the AMER1 protein (p.Glu933Lys). This variant is present in population databases (no rsID available, gnomAD 0.02%), including at least one homozygous and/or hemizygous individual. This variant has not been reported in the literature in individuals affected with AMER1-related conditions. ClinVar contains an entry for this variant (Variation ID: 1898217). An algorithm developed to predict the effect of missense changes on protein structure and function (PolyPhen-2) suggests that this variant is likely to be disruptive. In summary, the available evidence is currently insufficient to determine the role of this variant in disease. Therefore, it has been classified as a Variant of Uncertain Significance.

NM_152424.4(AMER1):c.2797G>A (p.Glu933Lys)

Gene: AMER1 (APC membrane recruitment protein 1; minus strand). Cytogenetic location: Xq11.2.
Variant type: single nucleotide variant.
Coding change: c.2797G>A on transcript NM_152424.4 (MANE Select); coding-DNA position 2797, G replaced by A.
Protein change: p.Glu933Lys; replaces glutamic acid 933 with lysine.
Molecular consequence: missense variant.
Genome position (GRCh38, 1-based): chrX:64,190,490, C>T on the plus strand (G>A on the coding strand, the complement: AMER1 is on the minus strand). VCF-style: chrX-64190490-C-T. GRCh37 (hg19) VCF-style: chrX-63410370-C-T.
Other names: c.2797G>A (NM_152424.3); short protein forms E933K.
Identifiers: ClinVar variation 1898217 (VCV001898217.6), dbSNP rs945869656, ClinGen allele CA329955443.